The following is an entry in ClinVar:

NM_182961.4(SYNE1):c.9634G>A (p.Glu3212Lys)

Gene: SYNE1 (spectrin repeat containing nuclear envelope protein 1; minus strand). Cytogenetic location: 6q25.2.
Variant type: single nucleotide variant.
Coding change: c.9634G>A on transcript NM_182961.4 (MANE Select); coding-DNA position 9634, G replaced by A.
Protein change: p.Glu3212Lys; replaces glutamic acid 3212 with lysine.
Molecular consequence: missense variant.
Genome position (GRCh38, 1-based): chr6:152,369,488, C>T on the plus strand (G>A on the coding strand, the complement: SYNE1 is on the minus strand). VCF-style: chr6-152369488-C-T. GRCh37 (hg19) VCF-style: chr6-152690623-C-T.
Other names: c.9655G>A, p.Glu3219Lys (NM_033071.5); short protein forms E3219K, E3212K.
Identifiers: ClinVar variation 2201528 (VCV002201528.4), dbSNP rs751257864, ClinGen allele CA4057274.

ClinVar aggregate classification (germline): Uncertain significance (1 of 4 stars; one submission).

Conditions:
Emery-Dreifuss muscular dystrophy 4, autosomal dominant (EDMD4). Also called: EMERY-DREIFUSS MUSCULAR DYSTROPHY 4 WITH VARIABLE FEATURES. Identifiers: Orphanet 261, MedGen C2751807, MONDO:0013071, OMIM 612998.
Autosomal recessive ataxia, Beauce type. Also called: Spinocerebellar ataxia, autosomal recessive 8; ATAXIA, RECESSIVE, OF BEAUCE; SYNE1-Related Autosomal Recessive Cerebellar Ataxia; SYNE1 Deficiency. Identifiers: Orphanet 88644, MedGen C1853116, MONDO:0012549, OMIM 610743.

Allele frequency attached by ClinVar (database versions not stated): gnomAD exomes 0.00002; gnomAD 0.00003; ExAC 0.00007.
gnomAD v4.1: 39 of 1,614,016 alleles (0.0024%); highest among the groups gnomAD compares: South Asian, 0.042%; no homozygotes.

Submission:

Labcorp Genetics (formerly Invitae), Labcorp
Classification: Uncertain significance for Emery-Dreifuss muscular dystrophy 4, autosomal dominant; Autosomal recessive ataxia, Beauce type. Last evaluated: 2021-12-23. Review status: criteria provided, single submitter. Criteria: Invitae Variant Classification Sherloc (09022015). Collection method: clinical testing. Allele origin: germline.
Comment: This sequence change replaces glutamic acid, which is acidic and polar, with lysine, which is basic and polar, at codon 3219 of the SYNE1 protein (p.Glu3219Lys). This variant is present in population databases (rs751257864, gnomAD 0.04%). This variant has not been reported in the literature in individuals affected with SYNE1-related conditions. Algorithms developed to predict the effect of missense changes on protein structure and function are either unavailable or do not agree on the potential impact of this missense change (SIFT: "Deleterious"; PolyPhen-2: "Probably Damaging"; Align-GVGD: "Class C0"). In summary, the available evidence is currently insufficient to determine the role of this variant in disease. Therefore, it has been classified as a Variant of Uncertain Significance.